The following is an entry in ClinVar:

NM_001849.4(COL6A2):c.82C>T (p.Pro28Ser)

Gene: COL6A2 (collagen type VI alpha 2 chain; plus strand). Cytogenetic location: 21q22.3.
Variant type: single nucleotide variant.
Coding change: c.82C>T on transcript NM_001849.4 (MANE Select); coding-DNA position 82, C replaced by T.
Protein change: p.Pro28Ser; replaces proline 28 with serine.
Molecular consequence: missense variant.
Genome position (GRCh38, 1-based): chr21:46,111,558, C>T. VCF-style: chr21-46111558-C-T. GRCh37 (hg19) VCF-style: chr21-47531472-C-T.
Other names: c.82C>T, p.Pro28Ser (NM_058174.3, NM_058175.3); short protein forms P28S.
Identifiers: ClinVar variation 2063857 (VCV002063857.6), dbSNP rs770089592, ClinGen allele CA10071171.

ClinVar aggregate classification (germline): Uncertain significance. Review status: criteria provided, multiple submitters, no conflicts (2 of 4 stars). 2 submissions from 2 submitters: Uncertain significance (2). Last evaluated 2023-03-31.

Conditions:
Bethlem myopathy 1A. Also called: MYOPATHY, BENIGN CONGENITAL, WITH CONTRACTURES; Bethlem Muscular Dystrophy; Bethlem myopathy 1. Identifiers: Orphanet 610, MedGen CN029274, MONDO:0024530, OMIM 158810.

Allele frequency attached by ClinVar (database versions not stated): gnomAD 0.00001; TOPMed 0.00001; ExAC 0.00002.
gnomAD v4.1: 11 of 1,612,718 alleles (0.00068%); highest among the groups gnomAD compares: African/African-American, 0.0013%; no homozygotes.

Submissions (2):

Revvity Omics, Revvity
Classification: Uncertain significance. Last evaluated: 2023-03-31. Review status: criteria provided, single submitter. Criteria: ACMG Guidelines, 2015. Collection method: clinical testing. Allele origin: germline.

Labcorp Genetics (formerly Invitae), Labcorp
Classification: Uncertain significance for Bethlem myopathy 1A. Last evaluated: 2022-09-11. Review status: criteria provided, single submitter. Criteria: Invitae Variant Classification Sherloc (09022015). Collection method: clinical testing. Allele origin: germline.
Comment: In summary, the available evidence is currently insufficient to determine the role of this variant in disease. Therefore, it has been classified as a Variant of Uncertain Significance. Advanced modeling of protein sequence and biophysical properties (such as structural, functional, and spatial information, amino acid conservation, physicochemical variation, residue mobility, and thermodynamic stability) performed at Invitae indicates that this missense variant is not expected to disrupt COL6A2 protein function. This variant has not been reported in the literature in individuals affected with COL6A2-related conditions. This variant is present in population databases (rs770089592, gnomAD 0.002%). This sequence change replaces proline, which is neutral and non-polar, with serine, which is neutral and polar, at codon 28 of the COL6A2 protein (p.Pro28Ser).